The following is an entry in ClinVar:

ClinVar aggregate classification (germline): Pathogenic (1 of 4 stars; one submission).

Conditions:
Bardet-Biedl syndrome (BBS). Identifiers: Orphanet 110, MedGen C0752166, MONDO:0015229.

Allele frequency attached by ClinVar (database versions not stated): TOPMed below 0.00001; gnomAD 0.00001.

Submission:

Labcorp Genetics (formerly Invitae), Labcorp
Classification: Pathogenic for Bardet-Biedl syndrome. Last evaluated: 2022-08-05. Review status: criteria provided, single submitter. Criteria: Invitae Variant Classification Sherloc (09022015). Collection method: clinical testing. Allele origin: germline.
Comment: This sequence change creates a premature translational stop signal (p.Tyr113*) in the BBS1 gene. It is expected to result in an absent or disrupted protein product. Loss-of-function variants in BBS1 are known to be pathogenic (PMID: 12118255, 21520335, 27032803). For these reasons, this variant has been classified as Pathogenic. This premature translational stop signal has been observed in individual(s) with Bardet-Biedl syndrome (PMID: 12524598). This variant is not present in population databases (gnomAD no frequency).

Literature cited by the submitters: PubMed 12118255; PubMed 21520335; PubMed 27032803; PubMed 12524598.

NM_024649.5(BBS1):c.339del (p.Val112_Tyr113insTer)

Gene: BBS1 (Bardet-Biedl syndrome 1; plus strand). Cytogenetic location: 11q13.2.
Variant type: Deletion.
Coding change: c.339del on transcript NM_024649.5 (MANE Select); coding-DNA position 339, one base deleted (T; older notation c.339delT).
Protein change: p.Val112_Tyr113insTer.
Molecular consequence: nonsense.
Genome position (GRCh38, 1-based): chr11:66,514,585, T deleted. VCF-style (leftmost placement, unchanged base first): chr11-66514584-AT-A. GRCh37 (hg19) VCF-style: chr11-66282055-AT-A.
Identifiers: ClinVar variation 2022007 (VCV002022007.4), dbSNP rs1426746606, ClinGen allele CA679422510.
Genomic context (GRCh38, chr11:66,514,584, plus strand): 5'-TCATGGAGCAACATGAGCCCCGGACCCCAGCTCTGGCACTTGCTTCAGGCCCTTGTGTCT[AT>A]GTGTATAAGAATCTCAGACCCTACTTCAAGTTCAGCCTGCCCCAATTGCCTCCAAATCCT-3'